The following is an entry in ClinVar:

NM_014795.4(ZEB2):c.2391C>G (p.His797Gln)

Gene: ZEB2 (zinc finger E-box binding homeobox 2; minus strand). Cytogenetic location: 2q22.3.
Variant type: single nucleotide variant.
Coding change: c.2391C>G on transcript NM_014795.4 (MANE Select); coding-DNA position 2391, C replaced by G.
Protein change: p.His797Gln; replaces histidine 797 with glutamine.
Molecular consequence: missense variant.
Genome position (GRCh38, 1-based): chr2:144,398,796, G>C on the plus strand (C>G on the coding strand, the complement: ZEB2 is on the minus strand). VCF-style: chr2-144398796-G-C. GRCh37 (hg19) VCF-style: chr2-145156363-G-C.
Other names: c.2319C>G, p.His773Gln (NM_001171653.2); short protein forms H773Q, H797Q.
Identifiers: ClinVar variation 2131795 (VCV002131795.4), dbSNP rs2549105985, ClinGen allele CA348708394.

ClinVar aggregate classification (germline): Uncertain significance (1 of 4 stars; one submission).

Conditions:
Mowat-Wilson syndrome (MOWS). Also called: Classic Mowat-Wilson Syndrome. Identifiers: Orphanet 2152, MedGen C1856113, MONDO:0009341, OMIM 235730.

Submission:

Labcorp Genetics (formerly Invitae), Labcorp
Classification: Uncertain significance for Mowat-Wilson syndrome. Last evaluated: 2022-04-29. Review status: criteria provided, single submitter. Criteria: Invitae Variant Classification Sherloc (09022015). Collection method: clinical testing. Allele origin: germline.
Comment: This variant is not present in population databases (gnomAD no frequency). In summary, the available evidence is currently insufficient to determine the role of this variant in disease. Therefore, it has been classified as a Variant of Uncertain Significance. Algorithms developed to predict the effect of missense changes on protein structure and function are either unavailable or do not agree on the potential impact of this missense change (SIFT: "Tolerated"; PolyPhen-2: "Possibly Damaging"; Align-GVGD: "Class C0"). This variant has not been reported in the literature in individuals affected with ZEB2-related conditions. This sequence change replaces histidine, which is basic and polar, with glutamine, which is neutral and polar, at codon 797 of the ZEB2 protein (p.His797Gln).